The following is an entry in ClinVar:

ClinVar aggregate classification (germline): Uncertain significance. Review status: criteria provided, multiple submitters, no conflicts (2 of 4 stars). 2 submissions from 2 submitters: Uncertain significance (2). Last evaluated 2025-02-25.

Conditions:
Inborn genetic diseases. Identifiers: MedGen C0950123, MeSH D030342.

gnomAD v4.1: 28 of 1,614,022 alleles (0.0017%); highest among the groups gnomAD compares: Middle Eastern, 0.016%; no homozygotes.

Submissions (2):

Ambry Genetics
Classification: Uncertain significance for Inborn genetic diseases. Last evaluated: 2025-02-25. Review status: criteria provided, single submitter. Criteria: Ambry Variant Classification Scheme 2023. Collection method: clinical testing. Allele origin: germline.

GeneDx
Classification: Uncertain significance. Last evaluated: 2024-05-20. Review status: criteria provided, single submitter. Criteria: GeneDx Variant Classification Process June 2021. Collection method: clinical testing. Allele origin: germline. Affected: yes.
Comment: Not observed at significant frequency in large population cohorts (gnomAD); In silico analysis supports that this missense variant has a deleterious effect on protein structure/function; Has not been previously published as pathogenic or benign to our knowledge

NM_025150.5(TARS2):c.1565T>C (p.Phe522Ser)

Gene: TARS2 (threonyl-tRNA synthetase 2, mitochondrial; plus strand). Cytogenetic location: 1q21.2.
Variant type: single nucleotide variant.
Coding change: c.1565T>C on transcript NM_025150.5 (MANE Select); coding-DNA position 1565, T replaced by C.
Protein change: p.Phe522Ser; replaces phenylalanine 522 with serine.
Molecular consequence: missense variant. On other transcripts: non-coding transcript variant (2).
Genome position (GRCh38, 1-based): chr1:150,499,241, T>C. VCF-style: chr1-150499241-T-C. GRCh37 (hg19) VCF-style: chr1-150471717-T-C.
Other names: c.1319T>C, p.Phe440Ser (NM_001271895.2); c.1175T>C, p.Phe392Ser (NM_001271896.2); c.1565T>C (NM_025150.3); short protein forms F392S, F440S, F522S.
Identifiers: ClinVar variation 3381389 (VCV003381389.2).